The following is an entry in ClinVar:

NM_030773.4(TUBB1):c.319A>C (p.Thr107Pro)

Gene: TUBB1 (tubulin beta 1 class VI; plus strand). Cytogenetic location: 20q13.32.
Variant type: single nucleotide variant.
Coding change: c.319A>C on transcript NM_030773.4 (MANE Select); coding-DNA position 319, A replaced by C.
Protein change: p.Thr107Pro; replaces threonine 107 with proline.
Molecular consequence: missense variant.
Genome position (GRCh38, 1-based): chr20:59,023,746, A>C. VCF-style: chr20-59023746-A-C. GRCh37 (hg19) VCF-style: chr20-57598801-A-C.
Other names: short protein forms T107P.
Identifiers: ClinVar variation 1677274 (VCV001677274.10), dbSNP rs752079894, ClinGen allele CA9928475.

ClinVar aggregate classification (germline): Uncertain significance. Review status: criteria provided, multiple submitters, no conflicts (2 of 4 stars). 3 submissions from 3 submitters: Uncertain significance (3). Last evaluated 2024-10-09.

Conditions:
Macrothrombocytopenia, isolated, 1, autosomal dominant (MACTHC1). Also called: Autosomal dominant macrothrombocytopenia TUBB1-related. Identifiers: Orphanet 140957, MedGen C5676892, MONDO:0800047, OMIM 613112.

Allele frequency attached by ClinVar (database versions not stated): gnomAD 0.00001; TOPMed 0.00001; ExAC 0.00002; gnomAD exomes 0.00003 and 0.00005.
gnomAD v4.1: 19 of 1,614,030 alleles (0.0012%); highest among the groups gnomAD compares: Admixed American, 0.02%; no homozygotes.

Submissions (3):

Labcorp Genetics (formerly Invitae), Labcorp
Classification: Uncertain significance. Last evaluated: 2024-10-09. Review status: criteria provided, single submitter. Criteria: Invitae Variant Classification Sherloc (09022015). Collection method: clinical testing. Allele origin: germline.
Comment: This sequence change replaces threonine, which is neutral and polar, with proline, which is neutral and non-polar, at codon 107 of the TUBB1 protein (p.Thr107Pro). This variant is present in population databases (rs752079894, gnomAD 0.03%). This missense change has been observed in individual(s) with macrothrombocytopenia (PMID: 28983057). ClinVar contains an entry for this variant (Variation ID: 1677274). Invitae Evidence Modeling of protein sequence and biophysical properties (such as structural, functional, and spatial information, amino acid conservation, physicochemical variation, residue mobility, and thermodynamic stability) indicates that this missense variant is expected to disrupt TUBB1 protein function with a positive predictive value of 80%. Experimental studies have shown that this missense change affects TUBB1 function (PMID: 34516618). In summary, the available evidence is currently insufficient to determine the role of this variant in disease. Therefore, it has been classified as a Variant of Uncertain Significance.

Women's Health and Genetics/Laboratory Corporation of America, LabCorp
Classification: Uncertain significance. Last evaluated: 2024-03-13. Review status: criteria provided, single submitter. Criteria: LabCorp Variant Classification Summary - May 2015. Collection method: clinical testing. Allele origin: germline.
Comment: Variant summary: TUBB1 c.319A>C (p.Thr107Pro) results in a non-conservative amino acid change located in the Tubulin/FtsZ, GTPase domain (IPR003008) of the encoded protein sequence. Five of five in-silico tools predict a damaging effect of the variant on protein function. The variant allele was found at a frequency of 4.8e-05 in 251482 control chromosomes. c.319A>C has been reported in the literature in multiple individuals from at-least four families affected with Autosomal Dominant Thrombocytopenia, however it did no segregate with disease in at least two families (Palma-Barqueros_2021, Bastida_2018). These report(s) do not provide unequivocal conclusions about association of the variant with Autosomal Dominant Macrothrombocytopenia TUBB1-Related. At least one publication reports experimental evidence evaluating an impact on protein function, suggesting this variant may alter the normral expression pattern and microtubule length in CHO cells, however, does not allow convincing conclusions about the variant effect (Palma-Barqueros_2021). The following publications have been ascertained in the context of this evaluation (PMID: 30446499, 34516618). ClinVar contains an entry for this variant (Variation ID: 1677274). Based on the evidence outlined above, the variant was classified as uncertain significance.

ISTH-SSC Genomics in Thrombosis and Hemostasis, KU Leuven, Center for Molecular and Vascular Biology
Classification: Uncertain significance for Macrothrombocytopenia, isolated, 1, autosomal dominant. Review status: criteria provided, single submitter. Criteria: ACMG Guidelines, 2015. Collection method: clinical testing. Allele origin: germline. Affected: yes. Observed: 3 heterozygotes. Clinical features observed: Macrothrombocytopenia.
Comment: Submitted to GoldVariant by Jose María Bastida and José Rivera; Grupo Español de Alteraciones Plaquetarias Congénitas (GEAPC)

Literature cited by the submitters: PubMed 28983057 (cited by Labcorp Genetics (formerly Invitae), Labcorp and ISTH-SSC Genomics in Thrombosis and Hemostasis, KU Leuven, Center for Molecular and Vascular Biology); PubMed 34516618 (cited by Labcorp Genetics (formerly Invitae), Labcorp and Women's Health and Genetics/Laboratory Corporation of America, LabCorp); PubMed 30446499 (cited by Women's Health and Genetics/Laboratory Corporation of America, LabCorp).